The following is an entry in ClinVar:

ClinVar aggregate classification (germline): Benign/Likely benign. Review status: criteria provided, multiple submitters, no conflicts (2 of 4 stars). 4 submissions from 4 submitters: Benign (1); Likely benign (3). Last evaluated 2026-09-08.

Conditions:
Hereditary cancer-predisposing syndrome. Also called: Hereditary neoplastic syndrome; Tumor predisposition; Neoplastic Syndromes, Hereditary; Hereditary Cancer Syndrome. Identifiers: Orphanet 140162, MedGen C0027672, MeSH D009386, MONDO:0015356.
Hereditary breast ovarian cancer syndrome. Also called: Hereditary breast and/or ovarian cancer syndrome; Hereditary breast and ovarian cancer; Hereditary breast and ovarian cancer syndrome (HBOC); Breast and ovarian cancer; BRCA1- and BRCA2-Associated Hereditary Breast and Ovarian Cancer; Hereditary breast and ovarian cancer syndrome. Identifiers: Orphanet 145, MedGen C0677776, MeSH D061325, MONDO:0003582. Disease mechanism: loss of function.
Familial cancer of breast. Also called: Hereditary breast cancer; BREAST CANCER, FAMILIAL; hereditary breast carcinoma. Identifiers: Orphanet 227535, MedGen C0346153, MONDO:0016419, OMIM 114480. Disease mechanism: loss of function.

Allele frequency attached by ClinVar (database versions not stated): gnomAD 0.00001 and 0.00003; gnomAD exomes 0.00001 and below 0.00001; ExAC 0.00003.
gnomAD v4.1: 6 of 1,575,220 alleles (0.00038%); highest among the groups gnomAD compares: Non-Finnish European, 0.00051%; no homozygotes.

Submissions (4):

German Consortium for Hereditary Breast and Ovarian Cancer, University Hospital Cologne
Classification: Likely benign for Hereditary breast ovarian cancer syndrome. Last evaluated: 2026-09-08. Review status: criteria provided, single submitter. Criteria: ACMG SVI. Collection method: curation. Allele origin: germline.
Comment: This classification follows the ACMG SVI adaptation classification scheme; We chose these criteria: PM2 (supporting pathogenic): gnomAD v4.1.1 European (non-Finnish) MAF = 0.000005146 (= 0.0005%, thus < 0.001%), BP4 (supporting benign): SpliceAI ≤0.1, BP7 (supporting benign): Synonymous (silent) variant for which SpliceAI predicts no impact to the splice consensus sequence nor the creation of a new splice site & variation shows a weakly conserved nucleotide (phyloP: 0.46 [-19.0, 10.9])., BS3 (medium benign): Woo (2025, PMID: 41282735): Functionally normal

Labcorp Genetics (formerly Invitae), Labcorp
Classification: Likely benign for Familial cancer of breast. Last evaluated: 2025-04-20. Review status: criteria provided, single submitter. Criteria: Invitae Variant Classification Sherloc (09022015). Collection method: clinical testing. Allele origin: germline.

Myriad Genetics, Inc.
Classification: Benign for Familial cancer of breast. Last evaluated: 2024-07-22. Review status: criteria provided, single submitter. Criteria: Myriad Autosomal Dominant, Autosomal Recessive and X-Linked Classification Criteria (2023). Collection method: clinical testing. Allele origin: unknown.
Comment: This variant is considered benign. This variant is a silent/synonymous amino acid change and it is not expected to impact splicing.

Ambry Genetics
Classification: Likely benign for Hereditary cancer-predisposing syndrome. Last evaluated: 2015-05-08. Review status: criteria provided, single submitter. Criteria: Ambry Variant Classification Scheme 2023. Collection method: clinical testing. Allele origin: germline.

NM_000465.4(BARD1):c.729T>C (p.Cys243=)

Gene: BARD1 (BRCA1 associated RING domain 1; minus strand). Cytogenetic location: 2q35.
Variant type: single nucleotide variant.
Coding change: c.729T>C on transcript NM_000465.4 (MANE Select); coding-DNA position 729, T replaced by C.
Protein change: p.Cys243=; no amino-acid change (cysteine 243 retained).
Molecular consequence: synonymous variant. On other transcripts: non-coding transcript variant (2), intron variant (3).
Genome position (GRCh38, 1-based): chr2:214,781,145, A>G on the plus strand (T>C on the coding strand, the complement: BARD1 is on the minus strand). VCF-style: chr2-214781145-A-G. GRCh37 (hg19) VCF-style: chr2-215645869-A-G.
Other names: c.672T>C, p.Cys224= (NM_001282543.2); c.158+28267T>C (NM_001282548.2); c.215+15916T>C (NM_001282545.2); c.364+11152T>C (NM_001282549.2).
Identifiers: ClinVar variation 231739 (VCV000231739.19), dbSNP rs761986980, ClinGen allele CA2090391.